The following is an entry in ClinVar:

ClinVar aggregate classification (germline): Uncertain significance (1 of 4 stars; one submission).

Conditions:
RPS6KA3-related disorder. Also called: RPS6KA3-related condition.

gnomAD v4.1: 1 of 1,192,057 alleles (0.000084%); highest among the groups gnomAD compares: Non-Finnish European, 0.00011%; no homozygotes.

Submission:

PreventionGenetics, part of Exact Sciences
Classification: Uncertain significance for RPS6KA3-related condition. Last evaluated: 2025-10-22. Review status: criteria provided, single submitter. Criteria: ACMG Guidelines, 2015. Collection method: clinical testing. Allele origin: germline.
Comment: The RPS6KA3 c.160C>A variant is predicted to result in the amino acid substitution p.His54Asn. To our knowledge, this variant has not been reported in the literature or in a large population database (gnomAD), indicating this variant is rare. At this time, the clinical significance of this variant is uncertain due to the absence of conclusive functional and genetic evidence.

NM_004586.3(RPS6KA3):c.160C>A (p.His54Asn)

Gene: RPS6KA3 (ribosomal protein S6 kinase A3; minus strand). Cytogenetic location: Xp22.12.
Variant type: single nucleotide variant.
Coding change: c.160C>A on transcript NM_004586.3 (MANE Select); coding-DNA position 160, C replaced by A.
Protein change: p.His54Asn; replaces histidine 54 with asparagine.
Molecular consequence: missense variant.
Genome position (GRCh38, 1-based): chrX:20,209,371, G>T on the plus strand (C>A on the coding strand, the complement: RPS6KA3 is on the minus strand). VCF-style: chrX-20209371-G-T. GRCh37 (hg19) VCF-style: chrX-20227489-G-T.
Other names: c.76C>A, p.His26Asn (NM_001438340.1); short protein forms H26N, H54N.
Identifiers: ClinVar variation 4993452 (VCV004993452.1).
Genomic context (GRCh38, chrX:20,209,371, plus strand): 5'-ATACTTTTAAAAGTTCAAACTGGGAAGGATCTGCCTTTTCATGTCCTTCCTTTACATGAT[G>T]TGTGATTGCAATTTCTTTGATACTGACTTCTTCCTGTTGAGATAAACGTAAGAGGAGCAA-3'
Protein context (NP_004577.1, residues 44-64): EVSIKEIAIT[His54Asn]HVKEGHEKAD